The following is an entry in ClinVar:

NM_000213.5(ITGB4):c.3412G>A (p.Ala1138Thr)

Gene: ITGB4 (integrin subunit beta 4; plus strand). Cytogenetic location: 17q25.1.
Variant type: single nucleotide variant.
Coding change: c.3412G>A on transcript NM_000213.5 (MANE Select); coding-DNA position 3412, G replaced by A.
Protein change: p.Ala1138Thr; replaces alanine 1138 with threonine.
Molecular consequence: missense variant.
Genome position (GRCh38, 1-based): chr17:75,750,206, G>A. VCF-style: chr17-75750206-G-A. GRCh37 (hg19) VCF-style: chr17-73746287-G-A.
Other names: c.3412G>A, p.Ala1138Thr (NM_001005619.2, NM_001005731.3, NM_001321123.2); short protein forms A1138T.
Identifiers: ClinVar variation 2171745 (VCV002171745.2), dbSNP rs143287482, ClinGen allele CA8769821.

ClinVar aggregate classification (germline): Uncertain significance (1 of 4 stars; one submission).

Allele frequency attached by ClinVar (database versions not stated): ExAC 0.00002; gnomAD 0.00003; gnomAD exomes 0.00004; ESP Exome Variant Server 0.00008.
gnomAD v4.1: 64 of 1,613,712 alleles (0.004%); highest among the groups gnomAD compares: Non-Finnish European, 0.0051%; no homozygotes.

Submission:

Labcorp Genetics (formerly Invitae), Labcorp
Classification: Uncertain significance. Last evaluated: 2025-06-12. Review status: criteria provided, single submitter. Criteria: Invitae Variant Classification Sherloc (09022015). Collection method: clinical testing. Allele origin: germline.
Comment: This sequence change replaces alanine, which is neutral and non-polar, with threonine, which is neutral and polar, at codon 1138 of the ITGB4 protein (p.Ala1138Thr). This variant is present in population databases (rs143287482, gnomAD 0.002%). This variant has not been reported in the literature in individuals affected with ITGB4-related conditions. ClinVar contains an entry for this variant (Variation ID: 2171745). Invitae Evidence Modeling of protein sequence and biophysical properties (such as structural, functional, and spatial information, amino acid conservation, physicochemical variation, residue mobility, and thermodynamic stability) indicates that this missense variant is not expected to disrupt ITGB4 protein function with a negative predictive value of 80%. In summary, the available evidence is currently insufficient to determine the role of this variant in disease. Therefore, it has been classified as a Variant of Uncertain Significance.